The following is an entry in ClinVar:

NM_001278116.2(L1CAM):c.3740C>T (p.Thr1247Ile)

Gene: L1CAM (L1 cell adhesion molecule; minus strand). Cytogenetic location: Xq28.
Variant type: single nucleotide variant.
Coding change: c.3740C>T on transcript NM_001278116.2 (MANE Select); coding-DNA position 3740, C replaced by T.
Protein change: p.Thr1247Ile; replaces threonine 1247 with isoleucine.
Molecular consequence: missense variant.
Genome position (GRCh38, 1-based): chrX:153,862,697, G>A on the plus strand (C>T on the coding strand, the complement: L1CAM is on the minus strand). VCF-style: chrX-153862697-G-A. GRCh37 (hg19) VCF-style: chrX-153128152-G-A.
Other names: c.3740C>T, p.Thr1247Ile (NM_000425.5); c.3713C>T, p.Thr1238Ile (NM_001143963.2); c.3728C>T, p.Thr1243Ile (NM_024003.3); short protein forms T1238I, T1243I, T1247I.
Identifiers: ClinVar variation 5040152 (VCV005040152.1).
Genomic context (GRCh38, chrX:153,862,697, plus strand): 5'-CACAGCATCTCCTGTCCTGGACTCCACTATTCTAGGGCCACGGCAGGGTTGATGGGGGAA[G>A]TGGCCCCTGAGCTGTCATTGCCCCCTGCCGCCTCCTTCTCCTTCTTGCCACTGTACTGGC-3'
Protein context (NP_001265045.1, residues 1237-1257): AAGGNDSSGA[Thr1247Ile]SPINPAVALE

ClinVar aggregate classification (germline): Uncertain significance (1 of 4 stars; one submission).

gnomAD v4.1: 1 of 1,211,575 alleles (0.000083%); highest among the groups gnomAD compares: Non-Finnish European, 0.00011%; no homozygotes.

Submission:

CeGaT Center for Human Genetics Tuebingen
Classification: Uncertain significance. Last evaluated: 2026-07-01. Review status: criteria provided, single submitter. Criteria: CeGaT Center For Human Genetics Tuebingen Variant Classification Criteria Version 2. Collection method: clinical testing. Allele origin: germline. Affected: yes. Observed: 1 variant allele.
Comment: L1CAM: PM2:Supporting